The following is an entry in ClinVar:

ClinVar aggregate classification (germline): Likely benign (0 of 4 stars; one submission).

Conditions:
RABL3-related disorder. Also called: RABL3-related condition.

Allele frequency attached by ClinVar (database versions not stated): TOPMed 0.00044; 1000 Genomes Project 30x 0.00062; 1000 Genomes Project 0.00080; gnomAD exomes 0.00034; ESP Exome Variant Server 0.00038; gnomAD 0.00038; ExAC 0.00043.
gnomAD v4.1: 580 of 1,604,888 alleles (0.036%); highest among the groups gnomAD compares: Middle Eastern, 0.4%; 1 homozygote.

Submissions (2):

PreventionGenetics, part of Exact Sciences
Classification: Likely benign for RABL3-related condition. Last evaluated: 2022-05-09. Review status: no assertion criteria provided. Collection method: clinical testing. Allele origin: germline.
Comment: This variant is classified as likely benign based on ACMG/AMP sequence variant interpretation guidelines (Richards et al. 2015 PMID: 25741868, with internal and published modifications).

Dr. Peter K. Rogan Lab, Western University
No classification provided (evidence only). Condition: Malignant tumor of esophagus. Review status: no classification provided. Collection method: in vitro. Allele origin: not applicable. Functional consequence: skipped exon. Not counted in ClinVar's aggregate classification.

NM_173825.5(RABL3):c.384-3C>T

Gene: RABL3 (RAB, member of RAS oncogene family like 3; minus strand). Cytogenetic location: 3q13.33.
Variant type: single nucleotide variant.
Coding change: c.384-3C>T on transcript NM_173825.5 (MANE Select); 3 bases into the intron before coding-DNA position 384, C replaced by T.
Molecular consequence: intron variant.
Genome position (GRCh38, 1-based): chr3:120,698,576, G>A on the plus strand (C>T on the coding strand, the complement: RABL3 is on the minus strand). VCF-style: chr3-120698576-G-A. GRCh37 (hg19) VCF-style: chr3-120417423-G-A.
Other names: NC_000003.11:g.120417423G>A; c.384-3C>T (NM_001363964.1, NM_001363965.1).
Identifiers: ClinVar variation 3051462 (VCV003051462.3), dbSNP rs146385667, ClinGen allele CA2560527.